The following is an entry in ClinVar:

ClinVar aggregate classification (germline): Pathogenic. Review status: criteria provided, single submitter (1 of 4 stars). 2 submissions from 2 submitters: Pathogenic (1). 1 of the submissions does not count toward it. Last evaluated 2023-08-11.

Conditions:
Immunodeficiency 104. Also called: Severe combined immunodeficiency, autosomal recessive, T cell-negative, B cell-positive, NK cell-positive; SCID, AUTOSOMAL RECESSIVE, T CELL-NEGATIVE, B CELL-POSITIVE, NK CELL-POSITIVE; Severe Combined Immune Deficiency, Autosomal Recessive, TCell -Negative, B Cell-Positive, NK Cell-Positive, IL7R-Related; IMMUNODEFICIENCY 104, SEVERE COMBINED. Identifiers: MedGen C5676890, MONDO:0012163, OMIM 608971.

Allele frequency attached by ClinVar (database versions not stated): gnomAD exomes below 0.00001; gnomAD 0.00001; TOPMed 0.00001.

Submissions (2):

Labcorp Genetics (formerly Invitae), Labcorp
Classification: Pathogenic for Immunodeficiency 104. Last evaluated: 2023-08-11. Review status: criteria provided, single submitter. Criteria: Invitae Variant Classification Sherloc (09022015). Collection method: clinical testing. Allele origin: germline.
Comment: For these reasons, this variant has been classified as Pathogenic. ClinVar contains an entry for this variant (Variation ID: 14842). This premature translational stop signal has been observed in individual(s) with severe combined immunodeficiency (PMID: 9843216). This variant is not present in population databases (gnomAD no frequency). This sequence change creates a premature translational stop signal (p.Trp217*) in the IL7R gene. It is expected to result in an absent or disrupted protein product. Loss-of-function variants in IL7R are known to be pathogenic (PMID: 21664875, 26123418).

OMIM
Classification: Pathogenic for IMMUNODEFICIENCY 104, SEVERE COMBINED. Last evaluated: 1998-12-01. Review status: no assertion criteria provided. Collection method: literature only. Allele origin: germline. Not counted in ClinVar's aggregate classification.

Literature cited by the submitters: PubMed 9843216 (cited by Labcorp Genetics (formerly Invitae), Labcorp and OMIM); PubMed 21664875 (cited by Labcorp Genetics (formerly Invitae), Labcorp); PubMed 26123418 (cited by Labcorp Genetics (formerly Invitae), Labcorp).

NM_002185.5(IL7R):c.651G>A (p.Trp217Ter)

Gene: IL7R (interleukin 7 receptor; plus strand). Cytogenetic location: 5p13.2.
Variant type: single nucleotide variant.
Coding change: c.651G>A on transcript NM_002185.5 (MANE Select); coding-DNA position 651, G replaced by A.
Protein change: p.Trp217Ter; replaces tryptophan 217 with a stop codon.
Molecular consequence: nonsense.
Genome position (GRCh38, 1-based): chr5:35,873,593, G>A. VCF-style: chr5-35873593-G-A. GRCh37 (hg19) VCF-style: chr5-35873695-G-A.
Other names: short protein forms W217*.
Identifiers: ClinVar variation 14842 (VCV000014842.6), dbSNP rs104893893, ClinGen allele CA124396.